The following is an entry in ClinVar:

NM_001252024.2(TRPM1):c.3810G>T (p.Arg1270=)

Gene: TRPM1 (transient receptor potential cation channel subfamily M member 1; minus strand). Cytogenetic location: 15q13.3.
Variant type: single nucleotide variant.
Coding change: c.3810G>T on transcript NM_001252024.2 (MANE Select); coding-DNA position 3810, G replaced by T.
Protein change: p.Arg1270=; no amino-acid change (arginine 1270 retained).
Molecular consequence: synonymous variant.
Genome position (GRCh38, 1-based): chr15:31,002,890, C>A on the plus strand (G>T on the coding strand, the complement: TRPM1 is on the minus strand). VCF-style: chr15-31002890-C-A. GRCh37 (hg19) VCF-style: chr15-31295093-C-A.
Other names: c.3861G>T, p.Arg1287= (NM_001252020.2); c.3744G>T, p.Arg1248= (NM_002420.6).
Identifiers: ClinVar variation 4983695 (VCV004983695.1).

ClinVar aggregate classification (germline): Likely benign (1 of 4 stars; one submission).

Conditions:
TRPM1-related disorder. Also called: TRPM1-related condition.

Submission:

PreventionGenetics, part of Exact Sciences
Classification: Likely benign for TRPM1-related condition. Last evaluated: 2024-10-13. Review status: criteria provided, single submitter. Criteria: ACMG Guidelines, 2015. Collection method: clinical testing. Allele origin: germline.
Comment: This variant is classified as likely benign based on ACMG/AMP sequence variant interpretation guidelines (Richards et al. 2015 PMID: 25741868, with internal and published modifications).